The following is an entry in ClinVar:

NM_005422.4(TECTA):c.1084A>T (p.Ser362Cys)

Genes: TBCEL-TECTA (TBCEL-TECTA readthrough; plus strand), TECTA (tectorin alpha; plus strand). Cytogenetic location: 11q23.3.
Variant type: single nucleotide variant.
Coding change: c.1084A>T on transcript NM_005422.4 (MANE Select); coding-DNA position 1084, A replaced by T.
Protein change: p.Ser362Cys; replaces serine 362 with cysteine.
Molecular consequence: missense variant.
Genome position (GRCh38, 1-based): chr11:121,118,599, A>T. VCF-style: chr11-121118599-A-T. GRCh37 (hg19) VCF-style: chr11-120989308-A-T.
Other names: c.2041A>T, p.Ser681Cys (NM_001378761.1); short protein forms S362C, S681C.
Identifiers: ClinVar variation 1303194 (VCV001303194.3), dbSNP rs779123206, ClinGen allele CA6326666.

ClinVar aggregate classification (germline): Uncertain significance. Review status: criteria provided, multiple submitters, no conflicts (2 of 4 stars). 2 submissions from 2 submitters: Uncertain significance (2). Last evaluated 2026-04-21.

Conditions:
TECTA-related disorder. Also called: TECTA-related condition.

Allele frequency attached by ClinVar (database versions not stated): gnomAD 0.00001; gnomAD exomes 0.00002; TOPMed 0.00002; ExAC 0.00004.
gnomAD v4.1: 10 of 1,613,810 alleles (0.00062%); highest among the groups gnomAD compares: Admixed American, 0.012%; no homozygotes.

Submissions (2):

PreventionGenetics, part of Exact Sciences
Classification: Uncertain significance for TECTA-related condition. Last evaluated: 2026-04-21. Review status: criteria provided, single submitter. Criteria: ACMG Guidelines, 2015. Collection method: clinical testing. Allele origin: germline.
Comment: The TECTA c.1084A>T variant is predicted to result in the amino acid substitution p.Ser362Cys. This variant was reported in two individuals with autosomal dominant nonsyndromic hearing loss (Hildebrand et al. 2011. PubMed ID: 21520338; Yoon et al. 2020. PubMed ID: 32658404). This variant is reported in 0.0087% of alleles in individuals of Latino descent in gnomAD. At this time, the clinical significance of this variant is uncertain due to the absence of conclusive functional and genetic evidence.

GeneDx
Classification: Uncertain significance. Last evaluated: 2019-04-01. Review status: criteria provided, single submitter. Criteria: GeneDx Variant Classification Process June 2021. Collection method: clinical testing. Allele origin: germline. Affected: yes.
Comment: In silico analysis, which includes protein predictors and evolutionary conservation, supports a deleterious effect; This variant is associated with the following publications: (PMID: 27368438, 21520338)